The following is an entry in ClinVar:

ClinVar aggregate classification (germline): Uncertain significance (1 of 4 stars; one submission).

gnomAD v4.1: 2 of 1,611,828 alleles (0.00012%); highest among the groups gnomAD compares: Admixed American, 0.0017%; no homozygotes.

Submission:

Labcorp Genetics (formerly Invitae), Labcorp
Classification: Uncertain significance. Last evaluated: 2025-05-04. Review status: criteria provided, single submitter. Criteria: Invitae Variant Classification Sherloc (09022015). Collection method: clinical testing. Allele origin: germline.
Comment: This sequence change replaces serine, which is neutral and polar, with phenylalanine, which is neutral and non-polar, at codon 1115 of the TTC37 protein (p.Ser1115Phe). This variant is present in population databases (no rsID available, gnomAD 0.003%). This variant has not been reported in the literature in individuals affected with TTC37-related conditions. ClinVar contains an entry for this variant (Variation ID: 1387433). An algorithm developed to predict the effect of missense changes on protein structure and function (PolyPhen-2) suggests that this variant is likely to be disruptive. In summary, the available evidence is currently insufficient to determine the role of this variant in disease. Therefore, it has been classified as a Variant of Uncertain Significance.

NM_014639.4(SKIC3):c.3344C>T (p.Ser1115Phe)

Gene: SKIC3 (SKI3 subunit of superkiller complex; minus strand). Cytogenetic location: 5q15.
Variant type: single nucleotide variant.
Coding change: c.3344C>T on transcript NM_014639.4 (MANE Select); coding-DNA position 3344, C replaced by T.
Protein change: p.Ser1115Phe; replaces serine 1115 with phenylalanine.
Molecular consequence: missense variant.
Genome position (GRCh38, 1-based): chr5:95,498,589, G>A on the plus strand (C>T on the coding strand, the complement: SKIC3 is on the minus strand). VCF-style: chr5-95498589-G-A. GRCh37 (hg19) VCF-style: chr5-94834293-G-A.
Other names: short protein forms S1115F.
Identifiers: ClinVar variation 1387433 (VCV001387433.4), dbSNP rs763151101, ClinGen allele CA360451319.
Genomic context (GRCh38, chr5:95,498,589, plus strand): 5'-ATTGCCAACCCTAGAGCACACAGGGCTTGAAGGCTTTCTGTGGTTGGTTCCTTTAAGATA[G>A]AGCTGTAAAGATATTTTAAAATTACCCATTAGTTAGTCTTTTTTTTTTTTTTTTGAGACG-3'
Protein context (NP_055454.1, residues 1105-1125): DVAKTLLFKC[Ser1115Phe]ILKEPTTESL